The following is an entry in ClinVar:

ClinVar aggregate classification (germline): Likely benign. Review status: criteria provided, single submitter (1 of 4 stars). 2 submissions from 2 submitters: Likely benign (1). 1 of the submissions does not count toward it. Last evaluated 2024-02-16.

Conditions:
ZFYVE26-related disorder. Also called: ZFYVE26-related condition.
Spastic paraplegia. Identifiers: MedGen C0037772, HP:0001258.

Allele frequency attached by ClinVar (database versions not stated): gnomAD 0.00001; gnomAD exomes 0.00001; TOPMed 0.00002.
gnomAD v4.1: 13 of 1,613,696 alleles (0.00081%); highest among the groups gnomAD compares: Non-Finnish European, 0.001%; no homozygotes.

Submissions (2):

Labcorp Genetics (formerly Invitae), Labcorp
Classification: Likely benign for Spastic paraplegia. Last evaluated: 2024-02-16. Review status: criteria provided, single submitter. Criteria: Invitae Variant Classification Sherloc (09022015). Collection method: clinical testing. Allele origin: germline.

PreventionGenetics, part of Exact Sciences
Classification: Likely benign for ZFYVE26-related condition. Last evaluated: 2023-03-31. Review status: no assertion criteria provided. Collection method: clinical testing. Allele origin: germline. Not counted in ClinVar's aggregate classification.
Comment: This variant is classified as likely benign based on ACMG/AMP sequence variant interpretation guidelines (Richards et al. 2015 PMID: 25741868, with internal and published modifications).

NM_015346.4(ZFYVE26):c.2333-9T>C

Gene: ZFYVE26 (zinc finger FYVE-type containing 26; minus strand). Cytogenetic location: 14q24.1.
Variant type: single nucleotide variant.
Coding change: c.2333-9T>C on transcript NM_015346.4 (MANE Select); 9 bases into the intron before coding-DNA position 2333, T replaced by C.
Molecular consequence: intron variant.
Genome position (GRCh38, 1-based): chr14:67,794,248, A>G on the plus strand (T>C on the coding strand, the complement: ZFYVE26 is on the minus strand). VCF-style: chr14-67794248-A-G. GRCh37 (hg19) VCF-style: chr14-68260965-A-G.
Other names: c.2333-9T>C (NM_015346.3).
Identifiers: ClinVar variation 1570604 (VCV001570604.10), dbSNP rs1428905219, ClinGen allele CA707975809.